The following is an entry in ClinVar:

ClinVar aggregate classification (germline): Uncertain significance (1 of 4 stars; one submission).

Conditions:
Primary immunodeficiency with post-measles-mumps-rubella vaccine viral infection. Also called: Immunodeficiency 44. Identifiers: Orphanet 431166, MedGen C4225260, MONDO:0014715, OMIM 616636.

Allele frequency attached by ClinVar (database versions not stated): gnomAD exomes below 0.00001; ExAC 0.00001; gnomAD 0.00001; TOPMed 0.00002.
gnomAD v4.1: 8 of 1,614,018 alleles (0.0005%); highest among the groups gnomAD compares: Non-Finnish European, 0.00068%; no homozygotes.

Submission:

Labcorp Genetics (formerly Invitae), Labcorp
Classification: Uncertain significance for Primary immunodeficiency with post-measles-mumps-rubella vaccine viral infection. Last evaluated: 2022-07-11. Review status: criteria provided, single submitter. Criteria: Invitae Variant Classification Sherloc (09022015). Collection method: clinical testing. Allele origin: germline.
Comment: In summary, the available evidence is currently insufficient to determine the role of this variant in disease. Therefore, it has been classified as a Variant of Uncertain Significance. Advanced modeling of protein sequence and biophysical properties (such as structural, functional, and spatial information, amino acid conservation, physicochemical variation, residue mobility, and thermodynamic stability) performed at Invitae indicates that this missense variant is not expected to disrupt STAT2 protein function. ClinVar contains an entry for this variant (Variation ID: 580406). This variant has not been reported in the literature in individuals affected with STAT2-related conditions. This variant is present in population databases (rs766306027, gnomAD 0.0009%). This sequence change replaces aspartic acid, which is acidic and polar, with asparagine, which is neutral and polar, at codon 449 of the STAT2 protein (p.Asp449Asn).

NM_005419.4(STAT2):c.1345G>A (p.Asp449Asn)

Gene: STAT2 (signal transducer and activator of transcription 2; minus strand). Cytogenetic location: 12q13.3.
Variant type: single nucleotide variant.
Coding change: c.1345G>A on transcript NM_005419.4 (MANE Select); coding-DNA position 1345, G replaced by A.
Protein change: p.Asp449Asn; replaces aspartic acid 449 with asparagine.
Molecular consequence: missense variant.
Genome position (GRCh38, 1-based): chr12:56,349,258, C>T on the plus strand (G>A on the coding strand, the complement: STAT2 is on the minus strand). VCF-style: chr12-56349258-C-T. GRCh37 (hg19) VCF-style: chr12-56743042-C-T.
Other names: c.1345G>A, p.Asp449Asn (LRG_1329t1); c.1333G>A, p.Asp445Asn (NM_198332.2); short protein forms D449N, D445N.
Identifiers: ClinVar variation 580406 (VCV000580406.6), dbSNP rs766306027, ClinGen allele CA6630532.